The following is an entry in ClinVar:

ClinVar aggregate classification (germline): Pathogenic (1 of 4 stars; one submission).

Conditions:
Hematuria. Identifiers: MedGen C0018965, HP:0000790.

Submission:

Genetics Laboratory, Great Ormond Street Hospital NHS Foundation Trust, North Thames Genomic Laboratory Hub
Classification: Pathogenic for Haematuria. Last evaluated: 2025-11-12. Review status: criteria provided, single submitter. Criteria: ACGS Best Practice Guidelines for Variant Classification in Rare Disease 2024 v1.2. Collection method: clinical testing. Allele origin: germline. Affected: yes.
Comment: PM2_moderate, PVS1_very-strong

NM_000092.5(COL4A4):c.4364_4370del (p.Pro1455fs)

Gene: COL4A4 (collagen type IV alpha 4 chain; minus strand). Cytogenetic location: 2q36.3.
Variant type: Deletion.
Coding change: c.4364_4370del on transcript NM_000092.5 (MANE Select); coding-DNA positions 4364 to 4370, 7 bases deleted (CCAAAGG; older notation c.4364_4370delCCAAAGG).
Protein change: p.Pro1455fs; shifts the reading frame from proline 1455.
Molecular consequence: frameshift variant.
Genome position (GRCh38, 1-based): chr2:227,010,465-227,010,471, CCTTTGG deleted on the plus strand (CCAAAGG on the coding strand, the reverse complement: COL4A4 is on the minus strand). VCF-style (leftmost placement, unchanged base first): chr2-227010464-CCCTTTGG-C. GRCh37 (hg19) VCF-style: chr2-227875180-CCCTTTGG-C.
Other names: short protein forms P1455fs.
Identifiers: ClinVar variation 4683145 (VCV004683145.1).